The following is an entry in ClinVar:

NM_000875.5(IGF1R):c.1589C>T (p.Ala530Val)

Gene: IGF1R (insulin like growth factor 1 receptor; plus strand). Cytogenetic location: 15q26.3.
Variant type: single nucleotide variant.
Coding change: c.1589C>T on transcript NM_000875.5 (MANE Select); coding-DNA position 1589, C replaced by T.
Protein change: p.Ala530Val; replaces alanine 530 with valine.
Molecular consequence: missense variant.
Genome position (GRCh38, 1-based): chr15:98,911,441, C>T. VCF-style: chr15-98911441-C-T. GRCh37 (hg19) VCF-style: chr15-99454670-C-T.
Other names: c.1589C>T, p.Ala530Val (NM_001291858.2); short protein forms A530V.
Identifiers: ClinVar variation 2577629 (VCV002577629.2), dbSNP rs780247189, ClinGen allele CA7752133.
Genomic context (GRCh38, chr15:98,911,441, plus strand): 5'-ACCGGTACCGGCCCCCTGACTACAGGGATCTCATCAGCTTCACCGTTTACTACAAGGAAG[C>T]GTGAGTTTCTGCTTTGGGTGATGCCATTCTGTTGACAGGGCTACGAATGGGAGAGGCCAG-3'
Protein context (NP_000866.1, residues 520-540): LISFTVYYKE[Ala530Val]PFKNVTEYDG

ClinVar aggregate classification (germline): Uncertain significance. Review status: criteria provided, multiple submitters, no conflicts (2 of 4 stars). 2 submissions from 2 submitters: Uncertain significance (2). Last evaluated 2025-07-07.

Allele frequency attached by ClinVar (database versions not stated): ExAC 0.00001; gnomAD 0.00001; TOPMed 0.00001.
gnomAD v4.1: 46 of 1,614,062 alleles (0.0028%); highest among the groups gnomAD compares: South Asian, 0.0044%; no homozygotes.

Submissions (2):

Women's Health and Genetics/Laboratory Corporation of America, LabCorp
Classification: Uncertain significance. Last evaluated: 2025-07-07. Review status: criteria provided, single submitter. Criteria: LabCorp Variant Classification Summary - May 2015. Collection method: clinical testing. Allele origin: germline.
Comment: Variant summary: IGF1R c.1589C>T (p.Ala530Val) results in a non-conservative amino acid change in the encoded protein sequence. Algorithms developed to predict the effect of missense changes on protein structure and function are either unavailable or do not agree on the potential impact of this missense change. Several computational tools predict a significant impact on normal splicing: Three predict the variant weakens a 5' donor site. One predict the variant no significant impact on splicing. However, these predictions have yet to be confirmed by functional studies. The variant allele was found at a frequency of 1.2e-05 in 251482 control chromosomes. The available data on variant occurrences in the general population are insufficient to allow any conclusion about variant significance. To our knowledge, no occurrence of c.1589C>T in individuals affected with Growth Delay Due To Insulin-Like Growth Factor I Resistance and no experimental evidence demonstrating its impact on protein function have been reported. ClinVar contains an entry for this variant (Variation ID: 2577629). Based on the evidence outlined above, the variant was classified as uncertain significance.

GeneDx
Classification: Uncertain significance. Last evaluated: 2023-02-23. Review status: criteria provided, single submitter. Criteria: GeneDx Variant Classification Process June 2021. Collection method: clinical testing. Allele origin: germline. Affected: yes.
Comment: In silico analysis supports that this missense variant has a deleterious effect on protein structure/function; Has not been previously published as pathogenic or benign germline variant to our knowledge; This variant is associated with the following publications: (PMID: 34265804)